The following is an entry in ClinVar:

ClinVar aggregate classification (germline): Uncertain significance (1 of 4 stars; one submission).

Allele frequency attached by ClinVar (database versions not stated): TOPMed 0.00001.

Submission:

Ambry Genetics
Classification: Uncertain significance. Last evaluated: 2023-02-21. Review status: criteria provided, single submitter. Criteria: Ambry Variant Classification Scheme 2023. Collection method: clinical testing. Allele origin: germline.
Comment: The p.P1546L variant (also known as c.4637C>T), located in coding exon 4 of the ALPK2 gene, results from a C to T substitution at nucleotide position 4637. The proline at codon 1546 is replaced by leucine, an amino acid with similar properties. This amino acid position is conserved. In addition, this alteration is predicted to be tolerated by in silico analysis. Since supporting evidence is limited at this time, the clinical significance of this alteration remains unclear.

NM_052947.4(ALPK2):c.4637C>T (p.Pro1546Leu)

Genes: ALPK2 (alpha kinase 2; minus strand), LOC126862764 (BRD4-independent group 4 enhancer GRCh37_chr18:56202574-56203773; plus strand). Cytogenetic location: 18q21.31.
Variant type: single nucleotide variant.
Coding change: c.4637C>T on transcript NM_052947.4 (MANE Select); coding-DNA position 4637, C replaced by T.
Protein change: p.Pro1546Leu; replaces proline 1546 with leucine.
Molecular consequence: missense variant.
Genome position (GRCh38, 1-based): chr18:58,535,550, G>A on the plus strand (C>T on the coding strand, the complement: ALPK2 is on the minus strand). VCF-style: chr18-58535550-G-A. GRCh37 (hg19) VCF-style: chr18-56202782-G-A.
Other names: short protein forms P1546L.
Identifiers: ClinVar variation 3228756 (VCV003228756.1), dbSNP rs932107125, ClinGen allele CA300926405.
Genomic context (GRCh38, chr18:58,535,550, plus strand): 5'-TCATGAATTTGGCCTGTGGAGTTGTGCGTGTCAACCCCAAGAGAAGCGTGAGTCATTATT[G>A]GAAGACAACTAGAAAGAGGTGAAGTGGGGGAAATCAATTCTGCTTTGTCCTTTTTGCTTT-3'
Protein context (NP_443179.3, residues 1536-1556): SPTSPLSSCL[Pro1546Leu]IMTHASLGVD